The following is an entry in ClinVar:

ClinVar aggregate classification (germline): Pathogenic (1 of 4 stars; one submission).

Conditions:
Diamond-Blackfan anemia. Also called: Aase syndrome; Blackfan Diamond syndrome; Aregenerative anemia chronic congenital; Red cell aplasia, pure hereditary; Congenital hypoplastic anemia. Identifiers: Orphanet 124, MedGen C1260899, MeSH D029503, MONDO:0015253, HP:0004810.

Submission:

Labcorp Genetics (formerly Invitae), Labcorp
Classification: Pathogenic for Diamond-Blackfan anemia. Last evaluated: 2020-01-06. Review status: criteria provided, single submitter. Criteria: Invitae Variant Classification Sherloc (09022015). Collection method: clinical testing. Allele origin: germline.
Comment: For these reasons, this variant has been classified as Pathogenic. Disruption of the initiator codon for the RPL5 gene has been observed in individuals with Diamond-Blackfan anemia (PMID: 20960466, 19773262, 30503522, 20378560, Invitae). This variant is not present in population databases (ExAC no frequency). This sequence change affects the initiator methionine of the RPL5 mRNA. The next in-frame methionine is located at codon 51.

Literature cited by the submitters: PubMed 20960466; PubMed 19773262; PubMed 30503522; PubMed 20378560.

NM_000969.5(RPL5):c.1A>C (p.Met1Leu)

Gene: RPL5 (ribosomal protein L5; plus strand). Cytogenetic location: 1p22.1.
Variant type: single nucleotide variant.
Coding change: c.1A>C on transcript NM_000969.5 (MANE Select); coding-DNA position 1, A replaced by C.
Protein change: p.Met1Leu; changes the start codon (methionine 1).
Molecular consequence: missense variant, initiator codon variant. On other transcripts: non-coding transcript variant (1).
Genome position (GRCh38, 1-based): chr1:92,832,115, A>C. VCF-style: chr1-92832115-A-C. GRCh37 (hg19) VCF-style: chr1-93297672-A-C.
Other names: short protein forms M1L.
Identifiers: ClinVar variation 1069070 (VCV001069070.13), dbSNP rs2100672432, ClinGen allele CA341240573.